The following is an entry in ClinVar:

ClinVar aggregate classification (germline): Uncertain significance. Review status: criteria provided, multiple submitters, no conflicts (2 of 4 stars). 2 submissions from 2 submitters: Uncertain significance (2). Last evaluated 2025-07-14.

Conditions:
SPTAN1-related disorder. Also called: SPTAN1-related disorders; SPTAN1-related condition.
Early-infantile DEE. Also called: Early infantile epileptic encephalopathy; Ohtahara syndrome; Early infantile epileptic encephalopathy with suppression bursts. Identifiers: Orphanet 1934, MedGen C0393706, MONDO:0800491.

Submissions (2):

Labcorp Genetics (formerly Invitae), Labcorp
Classification: Uncertain significance for Early-infantile DEE. Last evaluated: 2025-07-14. Review status: criteria provided, single submitter. Criteria: Invitae Variant Classification Sherloc (09022015). Collection method: clinical testing. Allele origin: germline.
Comment: This sequence change replaces valine, which is neutral and non-polar, with leucine, which is neutral and non-polar, at codon 444 of the SPTAN1 protein (p.Val444Leu). This variant is not present in population databases (gnomAD no frequency). This missense change has been observed in individual(s) with clinical features of developmental and epileptic encephalopathy (internal data). ClinVar contains an entry for this variant (Variation ID: 1442358). Invitae Evidence Modeling of protein sequence and biophysical properties (such as structural, functional, and spatial information, amino acid conservation, physicochemical variation, residue mobility, and thermodynamic stability) has been performed for this missense variant. However, the output from this modeling did not meet the statistical confidence thresholds required to predict the impact of this variant on SPTAN1 protein function. In summary, the available evidence is currently insufficient to determine the role of this variant in disease. Therefore, it has been classified as a Variant of Uncertain Significance.

PreventionGenetics, part of Exact Sciences
Classification: Uncertain significance for SPTAN1-related condition. Last evaluated: 2025-01-06. Review status: criteria provided, single submitter. Criteria: ACMG Guidelines, 2015. Collection method: clinical testing. Allele origin: germline.
Comment: The SPTAN1 c.1330G>C variant is predicted to result in the amino acid substitution p.Val444Leu. This variant has been reported as likely benign in one child with paroxysmal dyskinesia and epilepsy (Additional file 2). This variant has not been reported in a large population database (gnomAD), indicating this variant is rare. At this time, the clinical significance of this variant is uncertain due to the absence of conclusive functional and genetic evidence.

NM_001130438.3(SPTAN1):c.1330G>C (p.Val444Leu)

Gene: SPTAN1 (spectrin alpha, non-erythrocytic 1; plus strand). Cytogenetic location: 9q34.11.
Variant type: single nucleotide variant.
Coding change: c.1330G>C on transcript NM_001130438.3 (MANE Select); coding-DNA position 1330, G replaced by C.
Protein change: p.Val444Leu; replaces valine 444 with leucine.
Molecular consequence: missense variant.
Genome position (GRCh38, 1-based): chr9:128,580,928, G>C. VCF-style: chr9-128580928-G-C. GRCh37 (hg19) VCF-style: chr9-131343207-G-C.
Other names: c.1330G>C, p.Val444Leu (NM_001195532.2, NM_001363759.2, NM_001363765.2 and 5 more transcripts); c.1366G>C, p.Val456Leu (NM_001375312.2, NM_001375318.1); c.1330G>C (NM_001130438.2); short protein forms V456L, V444L.
Identifiers: ClinVar variation 1442358 (VCV001442358.10), dbSNP rs77358650, ClinGen allele CA375053186.